The following is an entry in ClinVar:

ClinVar aggregate classification (germline): Conflicting classifications of pathogenicity. Review status: criteria provided, conflicting classifications (1 of 4 stars). 2 submissions from 2 submitters: Pathogenic (1); Uncertain significance (1). Last evaluated 2025-03-20.
ClinVar aggregate classification (somatic clinical impact): Tier I - Strong. Review status: criteria provided, single submitter (1 of 4 stars). 4 submissions from 1 submitter. Last evaluated 2025-05-20.

Conditions:
DICER1-related tumor predisposition. Also called: DICER1-related pleuropulmonary blastoma cancer predisposition syndrome; DICER1 syndrome. Identifiers: Orphanet 284343, MedGen C3839822, MONDO:0100216.
Hereditary cancer-predisposing syndrome. Also called: Tumor predisposition; Hereditary neoplastic syndrome; Neoplastic Syndromes, Hereditary; Hereditary Cancer Syndrome. Identifiers: Orphanet 140162, MedGen C0027672, MeSH D009386, MONDO:0015356.
Sertoli-Leydig cell tumor. Identifiers: MedGen C0206723, MONDO:0002479.
Primary intracranial sarcoma, DICER1-mutant. Identifiers: MedGen C5670660, MONDO:0858967.
Pleuropulmonary blastoma (PPB). Identifiers: Orphanet 64742, MedGen C1266144, MONDO:0011014, OMIM 601200, HP:0100528.
Follicular thyroid carcinoma. Also called: Thyroid cancer, follicular; Thyroid gland follicular carcinoma. Identifiers: MedGen C0206682, MONDO:0005034, HP:0006731.

Submissions (6):

Institute for Genomic Medicine (IGM) Clinical Laboratory, Nationwide Children's Hospital
Classification: Tier I - Strong for Pleuropulmonary blastoma. Assertion type: diagnostic. Clinical significance: supports diagnosis. Last evaluated: 2025-05-20. Review status: criteria provided, single submitter. Criteria: AMP/ASCO/CAP Guidelines, 2017. Collection method: clinical testing. Allele origin: somatic. Affected: yes.
Comment: Variant has Tier I (strong) clinical significance as a diagnostic inclusion criterion in pleuropulmonary blastoma, based on the following evidence: 1) Documented in one or more cancer databases (e.g., St. Jude Pecan, COSMIC, CIViC, OncoKB). 2) Appears in one or more well-established professional guidelines (e.g., World Health Organization [WHO]; National Comprehensive Cancer Network [NCCN]) as providing diagnostic, prognostic, or therapeutic information. 3) Information in the literature supports potential biologic effect of variant (PMIDs: 23132766, 31417090, 17920623). 4) Diagnostic for a specific tumor type/classification according to professional guidelines (Evidence Level A; PMIDs: 24909177, 24675358, 26925222, 31603374, 36966138).

Institute for Genomic Medicine (IGM) Clinical Laboratory, Nationwide Children's Hospital
Classification: Tier I - Strong for Primary intracranial sarcoma, DICER1-mutant. Assertion type: diagnostic. Clinical significance: supports diagnosis. Last evaluated: 2025-04-10. Review status: criteria provided, single submitter. Criteria: AMP/ASCO/CAP Guidelines, 2017. Collection method: clinical testing. Allele origin: somatic. Affected: yes.
Comment: Variant has Tier I (strong) clinical significance as a diagnostic inclusion criterion in primary intracranial sarcoma, DICER1-mutant, based on the following evidence: 1) Documented in one or more cancer databases (e.g., St. Jude Pecan, COSMIC, CIViC, OncoKB). 2) Appears in one or more well-established professional guidelines (e.g., World Health Organization [WHO]; National Comprehensive Cancer Network [NCCN]) as providing diagnostic, prognostic, or therapeutic information. 3) Information in the literature supports potential biologic effect of variant (PMIDs: 30956758, 17920623, 31417090). 4) Diagnostic for a specific tumor type/classification according to professional guidelines (Evidence Level A; PMIDs: 29881993, 32291395, 36966138, 31487013, 34674226).

Ambry Genetics
Classification: Uncertain significance for Hereditary cancer-predisposing syndrome. Last evaluated: 2025-03-20. Review status: criteria provided, single submitter. Criteria: Ambry Variant Classification Scheme 2023. Collection method: clinical testing. Allele origin: germline.
Comment: The p.E1813Q variant (also known as c.5437G>C), located in coding exon 24 of the DICER1 gene, results from a G to C substitution at nucleotide position 5437. The glutamic acid at codon 1813 is replaced by glutamine, an amino acid with highly similar properties. This amino acid position is highly conserved in available vertebrate species. In addition, this alteration is predicted to be deleterious by in silico analysis. Based on the available evidence, the clinical significance of this variant remains unclear.

Institute for Genomic Medicine (IGM) Clinical Laboratory, Nationwide Children's Hospital
Classification: Tier I - Strong for Sertoli-Leydig cell tumor. Assertion type: diagnostic. Clinical significance: supports diagnosis. Last evaluated: 2024-09-11. Review status: criteria provided, single submitter. Criteria: AMP/ASCO/CAP Guidelines, 2017. Collection method: clinical testing. Allele origin: somatic. Affected: yes.
Comment: Variant has Tier I (strong) clinical significance as a diagnostic inclusion criterion in Sertoli-Leydig cell tumor, based on the following evidence: 1) Documented in one or more cancer databases (e.g., St. Jude Pecan, COSMIC, CIViC, OncoKB). 2) Appears in one or more well-established professional guidelines (e.g., World Health Organization [WHO]; National Comprehensive Cancer Network [NCCN]) as providing diagnostic, prognostic, or therapeutic information. 3) Diagnostic for a specific tumor type/classification based on well-powered studies with expert-level consensus (Evidence Level B; PMIDs: 22187960, 24136150, 26033501, 26428316, 28654427).

Institute for Genomic Medicine (IGM) Clinical Laboratory, Nationwide Children's Hospital
Classification: Tier I - Strong for Follicular thyroid carcinoma. Assertion type: diagnostic. Clinical significance: supports diagnosis. Last evaluated: 2023-07-21. Review status: criteria provided, single submitter. Criteria: AMP/ASCO/CAP Guidelines, 2017. Collection method: clinical testing. Allele origin: somatic. Affected: yes.
Comment: Variant has Tier I (strong) clinical significance as a diagnostic inclusion criterion in thyroid gland follicular carcinoma, based on the following evidence: 1) Documented in one or more cancer databases (e.g., St. Jude Pecan, COSMIC, CIViC, OncoKB). 2) Appears in one or more well-established professional guidelines (e.g., World Health Organization [WHO]; National Comprehensive Cancer Network [NCCN]) as providing diagnostic, prognostic, or therapeutic information. 3) Diagnostic for a specific tumor type/classification based on well-powered studies with expert-level consensus (Evidence Level B; PMIDs: 24617712, 30260442, 27459524).

Foulkes Cancer Genetics LDI, Lady Davis Institute for Medical Research
Classification: Pathogenic for Pleuropulmonary blastoma. Last evaluated: 2019-07-01. Review status: criteria provided, single submitter. Criteria: ACMG Guidelines, 2015. Collection method: curation. Allele origin: somatic, de novo, unknown. Affected: yes. Observed: 24 variant alleles.
Comment: ACMG criteria met: PS2, PS3, PM1, PM2, PP4

Literature cited by the submitters: PubMed 23132766 (cited by Institute for Genomic Medicine (IGM) Clinical Laboratory, Nationwide Children's Hospital); PubMed 31417090 (cited by Institute for Genomic Medicine (IGM) Clinical Laboratory, Nationwide Children's Hospital); PubMed 17920623 (cited by Institute for Genomic Medicine (IGM) Clinical Laboratory, Nationwide Children's Hospital); PubMed 24909177 (cited by Institute for Genomic Medicine (IGM) Clinical Laboratory, Nationwide Children's Hospital); PubMed 24675358 (cited by Institute for Genomic Medicine (IGM) Clinical Laboratory, Nationwide Children's Hospital); PubMed 26925222 (cited by Institute for Genomic Medicine (IGM) Clinical Laboratory, Nationwide Children's Hospital); PubMed 31603374 (cited by Institute for Genomic Medicine (IGM) Clinical Laboratory, Nationwide Children's Hospital); PubMed 36966138 (cited by Institute for Genomic Medicine (IGM) Clinical Laboratory, Nationwide Children's Hospital); PubMed 30956758 (cited by Institute for Genomic Medicine (IGM) Clinical Laboratory, Nationwide Children's Hospital); PubMed 29881993 (cited by Institute for Genomic Medicine (IGM) Clinical Laboratory, Nationwide Children's Hospital and Foulkes Cancer Genetics LDI, Lady Davis Institute for Medical Research); PubMed 32291395 (cited by Institute for Genomic Medicine (IGM) Clinical Laboratory, Nationwide Children's Hospital); PubMed 31487013 (cited by Institute for Genomic Medicine (IGM) Clinical Laboratory, Nationwide Children's Hospital); PubMed 34674226 (cited by Institute for Genomic Medicine (IGM) Clinical Laboratory, Nationwide Children's Hospital); PubMed 22187960 (cited by Institute for Genomic Medicine (IGM) Clinical Laboratory, Nationwide Children's Hospital and Foulkes Cancer Genetics LDI, Lady Davis Institute for Medical Research); PubMed 24136150 (cited by Institute for Genomic Medicine (IGM) Clinical Laboratory, Nationwide Children's Hospital and Foulkes Cancer Genetics LDI, Lady Davis Institute for Medical Research); PubMed 26033501 (cited by Institute for Genomic Medicine (IGM) Clinical Laboratory, Nationwide Children's Hospital); PubMed 26428316 (cited by Institute for Genomic Medicine (IGM) Clinical Laboratory, Nationwide Children's Hospital and Foulkes Cancer Genetics LDI, Lady Davis Institute for Medical Research); PubMed 28654427 (cited by Institute for Genomic Medicine (IGM) Clinical Laboratory, Nationwide Children's Hospital and Foulkes Cancer Genetics LDI, Lady Davis Institute for Medical Research); PubMed 24617712 (cited by Institute for Genomic Medicine (IGM) Clinical Laboratory, Nationwide Children's Hospital); PubMed 30260442 (cited by Institute for Genomic Medicine (IGM) Clinical Laboratory, Nationwide Children's Hospital and Foulkes Cancer Genetics LDI, Lady Davis Institute for Medical Research); PubMed 27459524 (cited by Institute for Genomic Medicine (IGM) Clinical Laboratory, Nationwide Children's Hospital and Foulkes Cancer Genetics LDI, Lady Davis Institute for Medical Research); PubMed 26475046 (cited by Foulkes Cancer Genetics LDI, Lady Davis Institute for Medical Research); PubMed 21205968 (cited by Foulkes Cancer Genetics LDI, Lady Davis Institute for Medical Research); PubMed 21882293 (cited by Foulkes Cancer Genetics LDI, Lady Davis Institute for Medical Research); PubMed 26556299 (cited by Foulkes Cancer Genetics LDI, Lady Davis Institute for Medical Research); PubMed 26983701 (cited by Foulkes Cancer Genetics LDI, Lady Davis Institute for Medical Research); PubMed 27494611 (cited by Foulkes Cancer Genetics LDI, Lady Davis Institute for Medical Research); PubMed 28323992 (cited by Foulkes Cancer Genetics LDI, Lady Davis Institute for Medical Research); PubMed 29187512 (cited by Foulkes Cancer Genetics LDI, Lady Davis Institute for Medical Research); PubMed 29037807 (cited by Foulkes Cancer Genetics LDI, Lady Davis Institute for Medical Research); PubMed 29726952 (cited by Foulkes Cancer Genetics LDI, Lady Davis Institute for Medical Research).

NM_177438.3(DICER1):c.5437G>C (p.Glu1813Gln)

Gene: DICER1 (dicer 1, ribonuclease III; minus strand). Cytogenetic location: 14q32.13.
Variant type: single nucleotide variant.
Coding change: c.5437G>C on transcript NM_177438.3 (MANE Select); coding-DNA position 5437, G replaced by C.
Protein change: p.Glu1813Gln; replaces glutamic acid 1813 with glutamine.
Molecular consequence: missense variant. On other transcripts: intron variant (1).
Genome position (GRCh38, 1-based): chr14:95,091,293, C>G on the plus strand (G>C on the coding strand, the complement: DICER1 is on the minus strand). VCF-style: chr14-95091293-C-G. GRCh37 (hg19) VCF-style: chr14-95557630-C-G.
Other names: c.5437G>C, p.Glu1813Gln (NM_001271282.3, NM_001291628.2, NM_030621.4); c.5365-184G>C (NM_001195573.1); short protein forms E1813Q.
Identifiers: ClinVar variation 933089 (VCV000933089.5), dbSNP rs1889806807, ClinGen allele CA390864655.